The following is an entry in ClinVar:

ClinVar aggregate classification (germline): Likely benign (1 of 4 stars; one submission).

Conditions:
PKD1-related disorder. Also called: PKD1-related condition.

gnomAD v4.1: 342 of 1,588,144 alleles (0.022%); highest among the groups gnomAD compares: East Asian, 0.18%; no homozygotes.

Submission:

PreventionGenetics, part of Exact Sciences
Classification: Likely benign for PKD1-related condition. Last evaluated: 2026-03-10. Review status: criteria provided, single submitter. Criteria: ACMG Guidelines, 2015. Collection method: clinical testing. Allele origin: germline.
Comment: This variant is classified as likely benign based on ACMG/AMP sequence variant interpretation guidelines (Richards et al. 2015 PMID: 25741868, with internal and published modifications).

NM_001009944.3(PKD1):c.8112G>A (p.Ala2704=)

Gene: PKD1 (polycystin 1, transient receptor potential channel interacting; minus strand). Cytogenetic location: 16p13.3.
Variant type: single nucleotide variant.
Coding change: c.8112G>A on transcript NM_001009944.3 (MANE Select); coding-DNA position 8112, G replaced by A.
Protein change: p.Ala2704=; no amino-acid change (alanine 2704 retained).
Molecular consequence: synonymous variant.
Genome position (GRCh38, 1-based): chr16:2,104,547, C>T on the plus strand (G>A on the coding strand, the complement: PKD1 is on the minus strand). VCF-style: chr16-2104547-C-T. GRCh37 (hg19) VCF-style: chr16-2154548-C-T.
Other names: c.8112G>A, p.Ala2704= (NM_000296.4).
Identifiers: ClinVar variation 4980271 (VCV004980271.1).